The following is an entry in ClinVar:

ClinVar aggregate classification (germline): Uncertain significance (1 of 4 stars; one submission).

Conditions:
Hereditary cancer-predisposing syndrome. Also called: Neoplastic Syndromes, Hereditary; Tumor predisposition; Hereditary Cancer Syndrome; Hereditary neoplastic syndrome. Identifiers: Orphanet 140162, MedGen C0027672, MeSH D009386, MONDO:0015356.

Submission:

Ambry Genetics
Classification: Uncertain significance for Hereditary cancer-predisposing syndrome. Last evaluated: 2025-11-07. Review status: criteria provided, single submitter. Criteria: Ambry Variant Classification Scheme 2023. Collection method: clinical testing. Allele origin: germline.
Comment: The p.G63R variant (also known as c.187G>C), located in coding exon 3 of the MUTYH gene, results from a G to C substitution at nucleotide position 187. The glycine at codon 63 is replaced by arginine, an amino acid with dissimilar properties. This amino acid position is not well conserved in available vertebrate species. In addition, this alteration is predicted to be tolerated by in silico analysis. Based on the available evidence, the clinical significance of this variant remains unclear.

NM_001128425.2(MUTYH):c.187G>C (p.Gly63Arg)

Gene: MUTYH (mutY DNA glycosylase; minus strand). Cytogenetic location: 1p34.1.
Variant type: single nucleotide variant.
Coding change: c.187G>C on transcript NM_001128425.2 (MANE Plus Clinical); coding-DNA position 187, G replaced by C.
Protein change: p.Gly63Arg; replaces glycine 63 with arginine.
Molecular consequence: missense variant. On other transcripts: intron variant (24).
Genome position (GRCh38, 1-based): chr1:45,333,574, C>G on the plus strand (G>C on the coding strand, the complement: MUTYH is on the minus strand). VCF-style: chr1-45333574-C-G. GRCh37 (hg19) VCF-style: chr1-45799246-C-G.
Other names: c.136G>C, p.Gly46Arg (NM_001293191.2, NM_001407077.1); c.178G>C, p.Gly60Arg (NM_001407069.1, NM_012222.3); c.19G>C, p.Gly7Arg (NM_001407075.1); c.145G>C, p.Gly49Arg (NM_001407083.1, NM_001407085.1); c.116-13G>C (NM_001407072.1, NM_001048171.2, NM_001407070.1 and 7 more transcripts); c.-92-77G>C (NM_001350651.2, NM_001407082.1); c.-97-77G>C (NM_001293192.2, NM_001293196.2, NM_001407091.1); c.-156-13G>C (NM_001350650.2); and 4 more; short protein forms G7R, G60R, G46R, G63R, G49R.
Identifiers: ClinVar variation 4659147 (VCV004659147.1).